The following is an entry in ClinVar:

ClinVar aggregate classification (germline): Uncertain significance (1 of 4 stars; one submission).

Submission:

GeneDx
Classification: Uncertain significance. Last evaluated: 2021-01-18. Review status: criteria provided, single submitter. Criteria: GeneDx Variant Classification Process June 2021. Collection method: clinical testing. Allele origin: germline. Affected: yes.
Comment: Not observed in large population cohorts (Lek et al., 2016); In silico analysis, which includes protein predictors and evolutionary conservation, supports a deleterious effect; Has not been previously published as pathogenic or benign to our knowledge

NM_031407.7(HUWE1):c.12951G>C (p.Met4317Ile)

Gene: HUWE1 (HECT, UBA and WWE domain containing E3 ubiquitin protein ligase 1; minus strand). Cytogenetic location: Xp11.22.
Variant type: single nucleotide variant.
Coding change: c.12951G>C on transcript NM_031407.7 (MANE Select); coding-DNA position 12951, G replaced by C.
Protein change: p.Met4317Ile; replaces methionine 4317 with isoleucine.
Molecular consequence: missense variant.
Genome position (GRCh38, 1-based): chrX:53,534,078, C>G on the plus strand (G>C on the coding strand, the complement: HUWE1 is on the minus strand). VCF-style: chrX-53534078-C-G. GRCh37 (hg19) VCF-style: chrX-53561039-C-G.
Other names: short protein forms M4317I.
Identifiers: ClinVar variation 1306976 (VCV001306976.2), dbSNP rs2146746117, ClinGen allele CA413144108.